The following is an entry in ClinVar:

NM_032242.4(PLXNA1):c.*5C>T

Gene: PLXNA1 (plexin A1; plus strand). Cytogenetic location: 3q21.3.
Variant type: single nucleotide variant.
Coding change: c.*5C>T on transcript NM_032242.4 (MANE Select); 5 bases downstream of the stop codon, C replaced by T.
Molecular consequence: 3 prime UTR variant.
Genome position (GRCh38, 1-based): chr3:127,034,022, C>T. VCF-style: chr3-127034022-C-T. GRCh37 (hg19) VCF-style: chr3-126752865-C-T.
Identifiers: ClinVar variation 3357361 (VCV003357361.2).

ClinVar aggregate classification (germline): Uncertain significance. Review status: criteria provided, single submitter (1 of 4 stars). 2 submissions from 2 submitters: Uncertain significance (1). 1 of the submissions does not count toward it. Last evaluated 2025-03-13.

Conditions:
PLXNA1-related disorder. Also called: PLXNA1-related condition.

Submissions (2):

Women's Health and Genetics/Laboratory Corporation of America, LabCorp
Classification: Uncertain significance. Last evaluated: 2025-03-13. Review status: criteria provided, single submitter. Criteria: LabCorp Variant Classification Summary - May 2015. Collection method: clinical testing. Allele origin: germline.
Comment: Variant summary: PLXNA1 c.*5C>T is located in the untranslated mRNA region downstream of the termination codon. The variant was absent in 212116 control chromosomes. The available data on variant occurrences in the general population are insufficient to allow any conclusion about variant significance. To our knowledge, no occurrence of c.*5C>T in individuals affected with Dworschak-Punetha Neurodevelopmental Syndrome and no experimental evidence demonstrating its impact on protein function have been reported. ClinVar contains an entry for this variant (Variation ID: 3357361). Based on the evidence outlined above, the variant was classified as uncertain significance.

PreventionGenetics, part of Exact Sciences
Classification: Likely benign for PLXNA1-related condition. Last evaluated: 2024-05-29. Review status: no assertion criteria provided. Collection method: clinical testing. Allele origin: germline. Not counted in ClinVar's aggregate classification.
Comment: This variant is classified as likely benign based on ACMG/AMP sequence variant interpretation guidelines (Richards et al. 2015 PMID: 25741868, with internal and published modifications).